The following is an entry in ClinVar:

ClinVar aggregate classification (germline): Conflicting classifications of pathogenicity. Review status: criteria provided, conflicting classifications (1 of 4 stars). 2 submissions from 2 submitters: Uncertain significance (1); Likely benign (1). Last evaluated 2026-08-13.

Conditions:
Hereditary nonpolyposis colorectal neoplasms. Identifiers: MedGen C0009405, MeSH D003123.
Hereditary cancer-predisposing syndrome. Also called: Tumor predisposition; Hereditary Cancer Syndrome; Neoplastic Syndromes, Hereditary; Hereditary neoplastic syndrome. Identifiers: Orphanet 140162, MedGen C0027672, MeSH D009386, MONDO:0015356.

Submissions (2):

Ambry Genetics
Classification: Likely benign for Hereditary cancer-predisposing syndrome. Last evaluated: 2026-08-13. Review status: criteria provided, single submitter. Criteria: Ambry Variant Classification Scheme 2023. Collection method: clinical testing. Allele origin: germline.

Labcorp Genetics (formerly Invitae), Labcorp
Classification: Uncertain significance for Hereditary nonpolyposis colorectal neoplasms. Last evaluated: 2024-02-20. Review status: criteria provided, single submitter. Criteria: Invitae Variant Classification Sherloc (09022015). Collection method: clinical testing. Allele origin: germline.
Comment: This sequence change replaces serine, which is neutral and polar, with glycine, which is neutral and non-polar, at codon 476 of the PMS2 protein (p.Ser476Gly). This variant is not present in population databases (gnomAD no frequency). This variant has not been reported in the literature in individuals affected with PMS2-related conditions. ClinVar contains an entry for this variant (Variation ID: 819170). Advanced modeling of protein sequence and biophysical properties (such as structural, functional, and spatial information, amino acid conservation, physicochemical variation, residue mobility, and thermodynamic stability) performed at Invitae indicates that this missense variant is not expected to disrupt PMS2 protein function with a negative predictive value of 80%. In summary, the available evidence is currently insufficient to determine the role of this variant in disease. Therefore, it has been classified as a Variant of Uncertain Significance.

NM_000535.7(PMS2):c.1426A>G (p.Ser476Gly)

Gene: PMS2 (PMS1 homolog 2, mismatch repair system component; minus strand). Cytogenetic location: 7p22.1.
Variant type: single nucleotide variant.
Coding change: c.1426A>G on transcript NM_000535.7 (MANE Select); coding-DNA position 1426, A replaced by G.
Protein change: p.Ser476Gly; replaces serine 476 with glycine.
Molecular consequence: missense variant. On other transcripts: non-coding transcript variant (1).
Genome position (GRCh38, 1-based): chr7:5,987,339, T>C on the plus strand (A>G on the coding strand, the complement: PMS2 is on the minus strand). VCF-style: chr7-5987339-T-C. GRCh37 (hg19) VCF-style: chr7-6026970-T-C.
Other names: c.1021A>G, p.Ser341Gly (NM_001322003.2, NM_001322004.2, NM_001322005.2 and 1 more transcripts); c.1270A>G, p.Ser424Gly (NM_001322006.2); c.1108A>G, p.Ser370Gly (NM_001322007.2, NM_001322008.2); c.865A>G, p.Ser289Gly (NM_001322010.2); c.493A>G, p.Ser165Gly (NM_001322011.2, NM_001322012.2); c.853A>G, p.Ser285Gly (NM_001322013.2); c.1426A>G, p.Ser476Gly (NM_001322014.2); c.1117A>G, p.Ser373Gly (NM_001322015.2); short protein forms S285G, S289G, S370G, S373G, S476G, S165G, S341G, S424G.
Identifiers: ClinVar variation 819170 (VCV000819170.7), dbSNP rs1583320225, ClinGen allele CA366742029.